The following is an entry in ClinVar:

NM_001723.7(DST):c.6305T>C (p.Val2102Ala)

Gene: DST (dystonin; minus strand). Cytogenetic location: 6p12.1.
Variant type: single nucleotide variant.
Coding change: c.6305T>C on transcript NM_001723.7 (MANE Plus Clinical); coding-DNA position 6305, T replaced by C.
Protein change: p.Val2102Ala; replaces valine 2102 with alanine.
Molecular consequence: missense variant. On other transcripts: intron variant (10).
Genome position (GRCh38, 1-based): chr6:56,617,162, A>G on the plus strand (T>C on the coding strand, the complement: DST is on the minus strand). VCF-style: chr6-56617162-A-G. GRCh37 (hg19) VCF-style: chr6-56481960-A-G.
Other names: c.4831-2678T>C (NM_001144769.5); c.4930-2678T>C (NM_001374722.1, NM_001374736.1); c.4957-2678T>C (NM_001374734.1); c.4417-2678T>C (NM_001144770.2); c.4297-2678T>C (NM_001374730.1, NM_001386100.1, NM_183380.4 and 1 more transcripts); c.3319-2678T>C (NM_015548.5); short protein forms V2102A.
Identifiers: ClinVar variation 1056137 (VCV001056137.9), dbSNP rs2152731784, ClinGen allele CA364565420.

ClinVar aggregate classification (germline): Uncertain significance (1 of 4 stars; one submission).

Conditions:
Epidermolysis bullosa simplex 3, localized or generalized intermediate, with BP230 deficiency (EBS3). Also called: Epidermolysis bullosa simplex due to BP230 deficiency; Epidermolysis bullosa simplex, autosomal recessive 2. Identifiers: Orphanet 412181, MedGen C3809470, MONDO:0014180, OMIM 615425.
Hereditary sensory and autonomic neuropathy type 6. Also called: HSAN VI; Neuropathy, hereditary sensory and autonomic, type VI. Identifiers: Orphanet 314381, MedGen C3539003, MONDO:0013839, OMIM 614653.

Submission:

Labcorp Genetics (formerly Invitae), Labcorp
Classification: Uncertain significance for Epidermolysis bullosa simplex 3, localized or generalized intermediate, with BP230 deficiency; Hereditary sensory and autonomic neuropathy type 6. Last evaluated: 2020-05-30. Review status: criteria provided, single submitter. Criteria: Invitae Variant Classification Sherloc (09022015). Collection method: clinical testing. Allele origin: germline.
Comment: This sequence change replaces valine with alanine at codon 2102 of the DST protein (p.Val2102Ala). The valine residue is highly conserved and there is a small physicochemical difference between valine and alanine. This variant is not present in population databases (ExAC no frequency). This variant has not been reported in the literature in individuals with DST-related conditions. Algorithms developed to predict the effect of missense changes on protein structure and function are either unavailable or do not agree on the potential impact of this missense change (SIFT: "Deleterious"; PolyPhen-2: "Benign"; Align-GVGD: "Class C55"). In summary, the available evidence is currently insufficient to determine the role of this variant in disease. Therefore, it has been classified as a Variant of Uncertain Significance.